The following is an entry in ClinVar:

ClinVar aggregate classification (germline): Uncertain significance (1 of 4 stars; one submission).

Conditions:
Drash syndrome (DDS). Also called: WILMS TUMOR AND PSEUDO- OR TRUE HERMAPHRODITISM; NEPHROPATHY, WILMS TUMOR, AND GENITAL ANOMALIES. Identifiers: Orphanet 220, MedGen C0950121, MONDO:0008682, OMIM 194080.
Wilms tumor 1 (WT1). Also called: Wilms tumor, somatic. Identifiers: Orphanet 654, MedGen CN033288, MONDO:0008679, OMIM 194070.
11p partial monosomy syndrome (WAGR). Also called: CHROMOSOME 11p13 DELETION SYNDROME; WAGR Spectrum Disorder; WAGR syndrome; WAGR Complex. Identifiers: Orphanet 893, MedGen C0206115, MONDO:0008681, OMIM 194072.
Frasier syndrome. Identifiers: Orphanet 347, MedGen C0950122, MeSH D052159, MONDO:0007635, OMIM 136680.

Allele frequency attached by ClinVar (database versions not stated): gnomAD exomes below 0.00001.
gnomAD v4.1: 1 of 1,529,536 alleles (0.000065%); highest among the groups gnomAD compares: South Asian, 0.0012%; no homozygotes.

Submission:

Labcorp Genetics (formerly Invitae), Labcorp
Classification: Uncertain significance for Wilms tumor 1; Drash syndrome; 11p partial monosomy syndrome; Frasier syndrome. Last evaluated: 2022-02-15. Review status: criteria provided, single submitter. Criteria: Invitae Variant Classification Sherloc (09022015). Collection method: clinical testing. Allele origin: germline.
Comment: This sequence change affects the initiator methionine of the WT1 mRNA. The next in-frame methionine is located at codon 69. This variant is not present in population databases (gnomAD no frequency). This variant has not been reported in the literature in individuals affected with WT1-related conditions. Experimental studies and prediction algorithms are not available or were not evaluated, and the functional significance of this variant is currently unknown. In summary, the available evidence is currently insufficient to determine the role of this variant in disease. Therefore, it has been classified as a Variant of Uncertain Significance.

NM_024426.6(WT1):c.16C>T (p.Leu6=)

Genes: WT1 (WT1 transcription factor; minus strand), LOC107982234 (WT1/WT1-AS bi-directional promoter region; plus strand). Cytogenetic location: 11p13.
Variant type: single nucleotide variant.
Coding change: c.16C>T on transcript NM_024426.6 (MANE Select); coding-DNA position 16, C replaced by T.
Protein change: p.Leu6=; no amino-acid change (leucine 6 retained).
Molecular consequence: synonymous variant. On other transcripts: non-coding transcript variant (2).
Genome position (GRCh38, 1-based): chr11:32,435,345, G>A on the plus strand (C>T on the coding strand, the complement: WT1 is on the minus strand). VCF-style: chr11-32435345-G-A. GRCh37 (hg19) VCF-style: chr11-32456891-G-A.
Other names: c.16C>T, p.Leu6= (NM_000378.6, NM_001407044.1, NM_001407045.1 and 6 more transcripts); c.1C>T, p.Met1= (NM_024425.2).
Identifiers: ClinVar variation 2078878 (VCV002078878.4), dbSNP rs1402339303, ClinGen allele CA473773546.